The following is an entry in ClinVar:

NM_001040108.2(MLH3):c.3082G>C (p.Ala1028Pro)

Gene: MLH3 (mutL homolog 3; minus strand). Cytogenetic location: 14q24.3.
Variant type: single nucleotide variant.
Coding change: c.3082G>C on transcript NM_001040108.2 (MANE Select); coding-DNA position 3082, G replaced by C.
Protein change: p.Ala1028Pro; replaces alanine 1028 with proline.
Molecular consequence: missense variant.
Genome position (GRCh38, 1-based): chr14:75,046,574, C>G on the plus strand (G>C on the coding strand, the complement: MLH3 is on the minus strand). VCF-style: chr14-75046574-C-G. GRCh37 (hg19) VCF-style: chr14-75513277-C-G.
Other names: c.3082G>C, p.Ala1028Pro (NM_014381.3); short protein forms A1028P.
Identifiers: ClinVar variation 3232518 (VCV003232518.1), dbSNP rs1892241048, ClinGen allele CA390436470.

ClinVar aggregate classification (germline): Uncertain significance (1 of 4 stars; one submission).

gnomAD v4.1: 1 of 1,614,198 alleles (0.000062%); highest among the groups gnomAD compares: Non-Finnish European, 0.000085%; no homozygotes.

Submission:

Ambry Genetics
Classification: Uncertain significance. Last evaluated: 2024-03-02. Review status: criteria provided, single submitter. Criteria: Ambry Variant Classification Scheme 2023. Collection method: clinical testing. Allele origin: germline.
Comment: The p.A1028P variant (also known as c.3082G>C), located in coding exon 1 of the MLH3 gene, results from a G to C substitution at nucleotide position 3082. The alanine at codon 1028 is replaced by proline, an amino acid with highly similar properties. This amino acid position is conserved. In addition, the in silico prediction for this alteration is inconclusive. Based on the available evidence, the clinical significance of this alteration remains unclear.